The following is an entry in ClinVar:

NM_138694.4(PKHD1):c.1864A>G (p.Asn622Asp)

Gene: PKHD1 (PKHD1 ciliary IPT domain containing fibrocystin/polyductin; minus strand). Cytogenetic location: 6p12.2.
Variant type: single nucleotide variant.
Coding change: c.1864A>G on transcript NM_138694.4 (MANE Select); coding-DNA position 1864, A replaced by G.
Protein change: p.Asn622Asp; replaces asparagine 622 with aspartic acid.
Molecular consequence: missense variant.
Genome position (GRCh38, 1-based): chr6:52,054,138, T>C on the plus strand (A>G on the coding strand, the complement: PKHD1 is on the minus strand). VCF-style: chr6-52054138-T-C. GRCh37 (hg19) VCF-style: chr6-51918936-T-C.
Other names: c.1864A>G, p.Asn622Asp (NM_170724.3); short protein forms N622D.
Identifiers: ClinVar variation 4986733 (VCV004986733.1).

ClinVar aggregate classification (germline): Uncertain significance (1 of 4 stars; one submission).

Conditions:
PKHD1-related disorder. Also called: PKHD1-related condition.

Submission:

PreventionGenetics, part of Exact Sciences
Classification: Uncertain significance for PKHD1-related condition. Last evaluated: 2025-08-20. Review status: criteria provided, single submitter. Criteria: ACMG Guidelines, 2015. Collection method: clinical testing. Allele origin: germline.
Comment: The PKHD1 c.1864A>G variant is predicted to result in the amino acid substitution p.Asn622Asp. To our knowledge, this variant has not been reported in the literature or in a large population database (gnomAD), indicating this variant is rare. At this time, the clinical significance of this variant is uncertain due to the absence of conclusive functional and genetic evidence.